The following is an entry in ClinVar:

ClinVar aggregate classification (germline): Uncertain significance. Review status: criteria provided, multiple submitters, no conflicts (2 of 4 stars). 2 submissions from 2 submitters: Uncertain significance (2). Last evaluated 2025-08-20.

Allele frequency attached by ClinVar (database versions not stated): gnomAD exomes below 0.00001 and 0.00001; ExAC 0.00001; gnomAD 0.00001; 1000 Genomes Project 30x 0.00016; 1000 Genomes Project 0.00020.
gnomAD v4.1: 12 of 1,606,954 alleles (0.00075%); highest among the groups gnomAD compares: East Asian, 0.0022%; no homozygotes.

Submissions (2):

Labcorp Genetics (formerly Invitae), Labcorp
Classification: Uncertain significance. Last evaluated: 2025-08-20. Review status: criteria provided, single submitter. Criteria: Invitae Variant Classification Sherloc (09022015). Collection method: clinical testing. Allele origin: germline.
Comment: This sequence change replaces proline, which is neutral and non-polar, with leucine, which is neutral and non-polar, at codon 1932 of the CDH23 protein (p.Pro1932Leu). The frequency data for this variant in the population databases is considered unreliable, as metrics indicate poor data quality at this position in the gnomAD database. This variant has not been reported in the literature in individuals affected with CDH23-related conditions. ClinVar contains an entry for this variant (Variation ID: 1371951). Invitae Evidence Modeling of protein sequence and biophysical properties (such as structural, functional, and spatial information, amino acid conservation, physicochemical variation, residue mobility, and thermodynamic stability) has been performed for this missense variant. However, the output from this modeling did not meet the statistical confidence thresholds required to predict the impact of this variant on CDH23 protein function. In summary, the available evidence is currently insufficient to determine the role of this variant in disease. Therefore, it has been classified as a Variant of Uncertain Significance.

GeneDx
Classification: Uncertain significance. Last evaluated: 2022-12-16. Review status: criteria provided, single submitter. Criteria: GeneDx Variant Classification Process June 2021. Collection method: clinical testing. Allele origin: germline. Affected: yes.
Comment: Not observed at significant frequency in large population cohorts (gnomAD); In silico analysis supports that this missense variant has a deleterious effect on protein structure/function; This variant is associated with the following publications: (PMID: 35020051)

NM_022124.6(CDH23):c.5795C>T (p.Pro1932Leu)

Gene: CDH23 (cadherin related 23; plus strand). Cytogenetic location: 10q22.1.
Variant type: single nucleotide variant.
Coding change: c.5795C>T on transcript NM_022124.6 (MANE Select); coding-DNA position 5795, C replaced by T.
Protein change: p.Pro1932Leu; replaces proline 1932 with leucine.
Molecular consequence: missense variant.
Genome position (GRCh38, 1-based): chr10:71,785,713, C>T. VCF-style: chr10-71785713-C-T. GRCh37 (hg19) VCF-style: chr10-73545470-C-T.
Other names: c.5795C>T (NM_022124.5); short protein forms P1932L.
Identifiers: ClinVar variation 1371951 (VCV001371951.6), dbSNP rs533857241, ClinGen allele CA5545876.